The following is an entry in ClinVar:

NM_005356.5(LCK):c.391A>G (p.Asn131Asp)

Gene: LCK (LCK proto-oncogene, Src family tyrosine kinase; plus strand). Cytogenetic location: 1p35.2.
Variant type: single nucleotide variant.
Coding change: c.391A>G on transcript NM_005356.5 (MANE Select); coding-DNA position 391, A replaced by G.
Protein change: p.Asn131Asp; replaces asparagine 131 with aspartic acid.
Molecular consequence: missense variant.
Genome position (GRCh38, 1-based): chr1:32,275,582, A>G. VCF-style: chr1-32275582-A-G. GRCh37 (hg19) VCF-style: chr1-32741183-A-G.
Other names: c.391A>G, p.Asn131Asp (NM_001042771.3, NM_001330468.2); short protein forms N131D.
Identifiers: ClinVar variation 1940383 (VCV001940383.5), dbSNP rs2521652084, ClinGen allele CA339637097.
Genomic context (GRCh38, chr1:32,275,582, plus strand): 5'-AGATCCGACGACAGCCGACGGCCTTCGTTCGCTTCCGCCCTGCACAGCTGGTTCTTCAAG[A>G]ACCTGAGCCGCAAGGACGCGGAGCGGCAGCTCCTGGCGCCCGGGAACACTCACGGCTCCT-3'
Protein context (NP_005347.3, residues 121-141): SLEPEPWFFK[Asn131Asp]LSRKDAERQL

ClinVar aggregate classification (germline): Uncertain significance (1 of 4 stars; one submission).

Conditions:
Severe combined immunodeficiency due to LCK deficiency. Also called: Immunodeficiency 22. Identifiers: Orphanet 280142, MedGen C4014233, MONDO:0014334, OMIM 615758.

Submission:

Labcorp Genetics (formerly Invitae), Labcorp
Classification: Uncertain significance for Severe combined immunodeficiency due to LCK deficiency. Last evaluated: 2022-04-20. Review status: criteria provided, single submitter. Criteria: Invitae Variant Classification Sherloc (09022015). Collection method: clinical testing. Allele origin: germline.
Comment: Algorithms developed to predict the effect of missense changes on protein structure and function output the following: SIFT: "Tolerated"; PolyPhen-2: "Benign"; Align-GVGD: "Class C0". The aspartic acid amino acid residue is found in multiple mammalian species, which suggests that this missense change does not adversely affect protein function. In summary, the available evidence is currently insufficient to determine the role of this variant in disease. Therefore, it has been classified as a Variant of Uncertain Significance. This variant has not been reported in the literature in individuals affected with LCK-related conditions. This sequence change replaces asparagine, which is neutral and polar, with aspartic acid, which is acidic and polar, at codon 131 of the LCK protein (p.Asn131Asp). This variant is not present in population databases (gnomAD no frequency).